The following is an entry in ClinVar:

NM_003334.4(UBA1):c.377A>G (p.Asn126Ser)

Gene: UBA1 (ubiquitin like modifier activating enzyme 1; plus strand). Cytogenetic location: Xp11.3.
Variant type: single nucleotide variant.
Coding change: c.377A>G on transcript NM_003334.4 (MANE Select); coding-DNA position 377, A replaced by G.
Protein change: p.Asn126Ser; replaces asparagine 126 with serine.
Molecular consequence: missense variant.
Genome position (GRCh38, 1-based): chrX:47,199,511, A>G. VCF-style: chrX-47199511-A-G. GRCh37 (hg19) VCF-style: chrX-47058910-A-G.
Other names: c.377A>G, p.Asn126Ser (NM_153280.3); short protein forms N126S.
Identifiers: ClinVar variation 1426909 (VCV001426909.6), dbSNP rs781821596, ClinGen allele CA412788904.

ClinVar aggregate classification (germline): Uncertain significance (1 of 4 stars; one submission).

Conditions:
Infantile-onset X-linked spinal muscular atrophy. Also called: AMC, DISTAL, X-LINKED; ARTHROGRYPOSIS, X-LINKED, TYPE I; Spinal muscular atrophy, X-linked 2; Spinal Muscular Atrophy, X-Linked Infantile; SPINAL MUSCULAR ATROPHY, X-LINKED LETHAL INFANTILE. Identifiers: Orphanet 1145, MedGen C1844934, MONDO:0010532, OMIM 301830.

Submission:

Labcorp Genetics (formerly Invitae), Labcorp
Classification: Uncertain significance for Infantile-onset X-linked spinal muscular atrophy. Last evaluated: 2021-11-21. Review status: criteria provided, single submitter. Criteria: Invitae Variant Classification Sherloc (09022015). Collection method: clinical testing. Allele origin: germline.
Comment: This sequence change replaces asparagine, which is neutral and polar, with serine, which is neutral and polar, at codon 126 of the UBA1 protein (p.Asn126Ser). In summary, the available evidence is currently insufficient to determine the role of this variant in disease. Therefore, it has been classified as a Variant of Uncertain Significance. Algorithms developed to predict the effect of missense changes on protein structure and function are either unavailable or do not agree on the potential impact of this missense change (SIFT: "Tolerated"; PolyPhen-2: "Probably Damaging"; Align-GVGD: "Class C0"). This variant has not been reported in the literature in individuals affected with UBA1-related conditions. This variant is not present in population databases (gnomAD no frequency).